The following is an entry in ClinVar:

ClinVar aggregate classification (germline): Uncertain significance. Review status: criteria provided, multiple submitters, no conflicts (2 of 4 stars). 2 submissions from 2 submitters: Uncertain significance (2). Last evaluated 2022-04-29.

Conditions:
Glycogen storage disease, type V (GSD5). Also called: McArdle type glycogen storage disease; MCARDLE DISEASE; MUSCLE GLYCOGEN PHOSPHORYLASE DEFICIENCY; MYOPHOSPHORYLASE DEFICIENCY; PYGM DEFICIENCY. Identifiers: Orphanet 368, MedGen C0017924, MONDO:0009293, OMIM 232600.

Allele frequency attached by ClinVar (database versions not stated): gnomAD exomes 0.00001; TOPMed 0.00002; gnomAD 0.00003.
gnomAD v4.1: 20 of 1,614,100 alleles (0.0012%); highest among the groups gnomAD compares: Non-Finnish European, 0.0016%; no homozygotes.

Submissions (2):

Revvity Omics, Revvity
Classification: Uncertain significance for Glycogen storage disease, type V. Last evaluated: 2022-04-29. Review status: criteria provided, single submitter. Criteria: ACMG Guidelines, 2015. Collection method: clinical testing. Allele origin: germline.

Labcorp Genetics (formerly Invitae), Labcorp
Classification: Uncertain significance for Glycogen storage disease, type V. Last evaluated: 2022-03-26. Review status: criteria provided, single submitter. Criteria: Invitae Variant Classification Sherloc (09022015). Collection method: clinical testing. Allele origin: germline.
Comment: This sequence change replaces glutamic acid, which is acidic and polar, with lysine, which is basic and polar, at codon 706 of the PYGM protein (p.Glu706Lys). This variant is present in population databases (no rsID available, gnomAD 0.01%). This variant has not been reported in the literature in individuals affected with PYGM-related conditions. Algorithms developed to predict the effect of missense changes on protein structure and function are either unavailable or do not agree on the potential impact of this missense change (SIFT: "Not Available"; PolyPhen-2: "Possibly Damaging"; Align-GVGD: "Not Available"). In summary, the available evidence is currently insufficient to determine the role of this variant in disease. Therefore, it has been classified as a Variant of Uncertain Significance.

NM_005609.4(PYGM):c.2116G>A (p.Glu706Lys)

Gene: PYGM (glycogen phosphorylase, muscle associated; minus strand). Cytogenetic location: 11q13.1.
Variant type: single nucleotide variant.
Coding change: c.2116G>A on transcript NM_005609.4 (MANE Select); coding-DNA position 2116, G replaced by A.
Protein change: p.Glu706Lys; replaces glutamic acid 706 with lysine.
Molecular consequence: missense variant.
Genome position (GRCh38, 1-based): chr11:64,750,437, C>T on the plus strand (G>A on the coding strand, the complement: PYGM is on the minus strand). VCF-style: chr11-64750437-C-T. GRCh37 (hg19) VCF-style: chr11-64517909-C-T.
Other names: c.1852G>A, p.Glu618Lys (NM_001164716.1); short protein forms E706K, E618K.
Identifiers: ClinVar variation 2145967 (VCV002145967.4), dbSNP rs915786151, ClinGen allele CA223897752.